The following is an entry in ClinVar:

NM_007294.4(BRCA1):c.1072del (p.Leu358fs)

Gene: BRCA1 (BRCA1 DNA repair associated; minus strand). Cytogenetic location: 17q21.31.
Variant type: Deletion.
Coding change: c.1072del on transcript NM_007294.4 (MANE Select); coding-DNA position 1072, one base deleted (C; older notation c.1072delC).
Protein change: p.Leu358fs; shifts the reading frame from leucine 358.
Molecular consequence: frameshift variant. On other transcripts: intron variant (137).
Genome position (GRCh38, 1-based): chr17:43,094,459, G deleted on the plus strand (C on the coding strand, the reverse complement: BRCA1 is on the minus strand). VCF-style (leftmost placement, unchanged base first): chr17-43094458-AG-A. GRCh37 (hg19) VCF-style: chr17-41246475-AG-A.
Other names: 1191delC; c.859del, p.Leu287fs (NM_001407571.1, NM_001407853.1, NM_001407894.1 and 9 more transcripts); c.1072del, p.Leu358fs (NM_001407581.1, NM_001407582.1, NM_001407583.1 and 30 more transcripts); c.1069del, p.Leu357fs (NM_001407587.1, NM_001407590.1, NM_001407591.1 and 22 more transcripts); c.1063del, p.Leu355fs (NM_001407646.1, NM_001407647.1); c.949del, p.Leu317fs (NM_001407648.1, NM_001407664.1, NM_001407665.1 and 19 more transcripts); c.946del, p.Leu316fs (NM_001407649.1, NM_001407670.1, NM_001407671.1 and 11 more transcripts); c.994del, p.Leu332fs (NM_001407653.1, NM_001407654.1, NM_001407655.1 and 4 more transcripts); and 41 more; short protein forms L358fs, L311fs, L246fs, L290fs, L310fs, L331fs, L357fs, L190fs.
Identifiers: ClinVar variation 54117 (VCV000054117.20), dbSNP rs80357836, ClinGen allele CA000718.

ClinVar aggregate classification (germline): Pathogenic. Review status: reviewed by expert panel (3 of 4 stars). 8 submissions from 8 submitters: Pathogenic (1). 7 of the submissions do not count toward it. Last evaluated 2016-09-08.

Conditions:
Hereditary cancer-predisposing syndrome. Also called: Tumor predisposition; Neoplastic Syndromes, Hereditary; Hereditary Cancer Syndrome; Hereditary neoplastic syndrome. Identifiers: Orphanet 140162, MedGen C0027672, MeSH D009386, MONDO:0015356.
Hereditary breast ovarian cancer syndrome. Also called: Hereditary breast and ovarian cancer syndrome (HBOC); Hereditary breast and ovarian cancer syndrome; Hereditary breast and ovarian cancer; Hereditary breast and/or ovarian cancer syndrome; Breast and ovarian cancer; BRCA1- and BRCA2-Associated Hereditary Breast and Ovarian Cancer. Identifiers: Orphanet 145, MedGen C0677776, MeSH D061325, MONDO:0003582. Disease mechanism: loss of function.
Breast-ovarian cancer, familial, susceptibility to, 1 (BROVCA1). Also called: OVARIAN CANCER, SUSCEPTIBILITY TO; BRCA1 Hereditary Breast and Ovarian Cancer. Identifiers: Orphanet 145, MedGen C2676676, MONDO:0011450, OMIM 604370. Disease mechanism: loss of function.

Submissions (8):

Evidence-based Network for the Interpretation of Germline Mutant Alleles (ENIGMA)
Classification: Pathogenic for Breast-ovarian cancer, familial, susceptibility to, 1. Last evaluated: 2016-09-08. Review status: reviewed by expert panel. Criteria: ENIGMA BRCA1/2 Classification Criteria (2015). Collection method: curation. Allele origin: germline.
Comment: Variant allele predicted to encode a truncated non-functional protein.

Ambry Genetics
Classification: Pathogenic for Hereditary cancer-predisposing syndrome. Last evaluated: 2025-12-17. Review status: criteria provided, single submitter. Criteria: Ambry Variant Classification Scheme 2023. Collection method: clinical testing. Allele origin: germline. Not counted in ClinVar's aggregate classification.
Comment: The c.1072delC pathogenic mutation, located in coding exon 9 of the BRCA1 gene, results from a deletion of one nucleotide at nucleotide position 1072, causing a translational frameshift with a predicted alternate stop codon (p.L358Cfs*16). This alteration is expected to result in loss of function by premature protein truncation or nonsense-mediated mRNA decay. As such, this alteration is interpreted as a disease-causing mutation.

Labcorp Genetics (formerly Invitae), Labcorp
Classification: Pathogenic for Hereditary breast ovarian cancer syndrome. Last evaluated: 2024-02-08. Review status: criteria provided, single submitter. Criteria: Invitae Variant Classification Sherloc (09022015). Collection method: clinical testing. Allele origin: germline. Not counted in ClinVar's aggregate classification.
Comment: This sequence change creates a premature translational stop signal (p.Leu358Cysfs*16) in the BRCA1 gene. It is expected to result in an absent or disrupted protein product. Loss-of-function variants in BRCA1 are known to be pathogenic (PMID: 20104584). This variant is not present in population databases (gnomAD no frequency). This premature translational stop signal has been observed in individual(s) with breast cancer (PMID: 10090482, 10595255, 28637432). This variant is also known as c.1192delC. ClinVar contains an entry for this variant (Variation ID: 54117). For these reasons, this variant has been classified as Pathogenic.

Baylor Genetics
Classification: Pathogenic for Breast-ovarian cancer, familial, susceptibility to, 1. Last evaluated: 2024-01-16. Review status: criteria provided, single submitter. Criteria: ACMG Guidelines, 2015. Collection method: clinical testing. Allele origin: unknown. Not counted in ClinVar's aggregate classification.

Consortium of Investigators of Modifiers of BRCA1/2 (CIMBA), c/o University of Cambridge
Classification: Pathogenic for Breast-ovarian cancer, familial, susceptibility to, 1. Last evaluated: 2015-10-02. Review status: criteria provided, single submitter. Criteria: CIMBA Mutation Classification guidelines May 2016. Collection method: clinical testing. Allele origin: germline. Not counted in ClinVar's aggregate classification.

Department of Medical Genetics, Oslo University Hospital
Classification: Pathogenic for Breast-ovarian cancer, familial, susceptibility to, 1. Last evaluated: 2015-07-01. Review status: criteria provided, single submitter. Criteria: ACMG Guidelines, 2015. Collection method: clinical testing. Allele origin: germline. Affected: yes. Observed: 22 variant alleles. Not counted in ClinVar's aggregate classification.

Research Molecular Genetics Laboratory, Women's College Hospital, University of Toronto
Classification: Pathogenic for Hereditary breast ovarian cancer syndrome. Last evaluated: 2014-01-31. Review status: no assertion criteria provided. Collection method: research. Allele origin: germline. Affected: yes. Study: The Canadian Open Genetics Repository (COGR). Not counted in ClinVar's aggregate classification.

Breast Cancer Information Core (BIC) (BRCA1)
Classification: Pathogenic for Breast-ovarian cancer, familial 1. Last evaluated: 2002-05-29. Review status: no assertion criteria provided. Collection method: clinical testing. Allele origin: germline. Affected: yes. Observed: 4 variant alleles. Not counted in ClinVar's aggregate classification.

Literature cited by the submitters: PubMed 10090482 (cited by Ambry Genetics and Labcorp Genetics (formerly Invitae), Labcorp); PubMed 18176857 (cited by Ambry Genetics); PubMed 28637432 (cited by Ambry Genetics and Labcorp Genetics (formerly Invitae), Labcorp); PubMed 29339979 (cited by Ambry Genetics); PubMed 20104584 (cited by Labcorp Genetics (formerly Invitae), Labcorp); PubMed 10595255 (cited by Labcorp Genetics (formerly Invitae), Labcorp).